The following is an entry in ClinVar:

NM_005422.4(TECTA):c.1796G>C (p.Ser599Thr)

Genes: TECTA (tectorin alpha; plus strand), TBCEL-TECTA (TBCEL-TECTA readthrough; plus strand). Cytogenetic location: 11q23.3.
Variant type: single nucleotide variant.
Coding change: c.1796G>C on transcript NM_005422.4 (MANE Select); coding-DNA position 1796, G replaced by C.
Protein change: p.Ser599Thr; replaces serine 599 with threonine.
Molecular consequence: missense variant.
Genome position (GRCh38, 1-based): chr11:121,127,773, G>C. VCF-style: chr11-121127773-G-C. GRCh37 (hg19) VCF-style: chr11-120998482-G-C.
Other names: short protein forms S599T.
Identifiers: ClinVar variation 869464 (VCV000869464.5), dbSNP rs762612501, ClinGen allele CA6326857.
Genomic context (GRCh38, chr11:121,127,773, plus strand): 5'-TTCACCTTGTTATCGGCTCTCTTCCTTTCCCCGCGTCAGTGTCCACAGTGCAGTGCCCGA[G>C]CTTCAGCCACTACTCCGTGTGCACAAGCAGCTGCCCCGACACATGCTCCGACCTGACGGC-3'
Protein context (NP_005413.2, residues 589-609): TGCVSTVQCP[Ser599Thr]FSHYSVCTSS

ClinVar aggregate classification (germline): Uncertain significance. Review status: criteria provided, multiple submitters, no conflicts (2 of 4 stars). 3 submissions from 3 submitters: Uncertain significance (3). Last evaluated 2025-04-21.

Conditions:
Inborn genetic diseases. Identifiers: MedGen C0950123, MeSH D030342.
Autosomal dominant nonsyndromic hearing loss 12. Also called: DEAFNESS, AUTOSOMAL DOMINANT 8. Identifiers: Orphanet 90635, MedGen C1832187, MONDO:0011102, OMIM 601543.

Allele frequency attached by ClinVar (database versions not stated): gnomAD exomes below 0.00001; ExAC 0.00001.
gnomAD v4.1: 1 of 1,614,168 alleles (0.000062%); highest among the groups gnomAD compares: South Asian, 0.0011%; no homozygotes.

Submissions (3):

Labcorp Genetics (formerly Invitae), Labcorp
Classification: Uncertain significance. Last evaluated: 2025-04-21. Review status: criteria provided, single submitter. Criteria: Invitae Variant Classification Sherloc (09022015). Collection method: clinical testing. Allele origin: germline.
Comment: This sequence change replaces serine, which is neutral and polar, with threonine, which is neutral and polar, at codon 599 of the TECTA protein (p.Ser599Thr). This variant is present in population databases (rs762612501, gnomAD 0.006%). This variant has not been reported in the literature in individuals affected with TECTA-related conditions. ClinVar contains an entry for this variant (Variation ID: 869464). Invitae Evidence Modeling of protein sequence and biophysical properties (such as structural, functional, and spatial information, amino acid conservation, physicochemical variation, residue mobility, and thermodynamic stability) indicates that this missense variant is not expected to disrupt TECTA protein function with a negative predictive value of 95%. In summary, the available evidence is currently insufficient to determine the role of this variant in disease. Therefore, it has been classified as a Variant of Uncertain Significance.

Ambry Genetics
Classification: Uncertain significance for Inborn genetic diseases. Last evaluated: 2024-02-05. Review status: criteria provided, single submitter. Criteria: Ambry Variant Classification Scheme 2023. Collection method: clinical testing. Allele origin: germline.

Victorian Clinical Genetics Services, Murdoch Childrens Research Institute
Classification: Uncertain significance for Autosomal dominant nonsyndromic hearing loss 12. Last evaluated: 2017-12-28. Review status: criteria provided, single submitter. Criteria: ACMG Guidelines, 2015. Collection method: clinical testing. Allele origin: unknown. Affected: yes.
Comment: A heterozygous missense variant NM_005422.2(TECTA):c.1796G>C, has been identified in exon 8of 23 of the TECTA gene. This substitution is predicted to create a minor amino acid change from serine to threonine at amino acid position 599, NP_005413.2(TECTA):p.(Ser599Thr). The serine at this position has low conservation (100 vertebrates, UCSC). In silico software predicts this variant to be benign (Polyphen, SIFT, CADD, Mutation Taster). It is situated in a trypsin inhibitor-like, cystein rich domain. This variant has not been previously reported, but has been observed in a population database at a frequency of 0.0004% (ExAC, GnomAD). Based on current information, this variant has been classified as a VUS with LOW clinical significance.